The following is an entry in ClinVar:

ClinVar aggregate classification (germline): Likely benign (1 of 4 stars; one submission).

Conditions:
NBEAL2-related disorder. Also called: NBEAL2-related condition.

Submission:

PreventionGenetics, part of Exact Sciences
Classification: Likely benign for NBEAL2-related condition. Last evaluated: 2024-11-11. Review status: criteria provided, single submitter. Criteria: ACMG Guidelines, 2015. Collection method: clinical testing. Allele origin: germline.
Comment: This variant is classified as likely benign based on ACMG/AMP sequence variant interpretation guidelines (Richards et al. 2015 PMID: 25741868, with internal and published modifications).

NM_015175.3(NBEAL2):c.714T>A (p.Arg238=)

Gene: NBEAL2 (neurobeachin like 2; plus strand). Cytogenetic location: 3p21.31.
Variant type: single nucleotide variant.
Coding change: c.714T>A on transcript NM_015175.3 (MANE Select); coding-DNA position 714, T replaced by A.
Protein change: p.Arg238=; no amino-acid change (arginine 238 retained).
Molecular consequence: synonymous variant.
Genome position (GRCh38, 1-based): chr3:46,991,477, T>A. VCF-style: chr3-46991477-T-A. GRCh37 (hg19) VCF-style: chr3-47032967-T-A.
Other names: c.693T>A, p.Arg231= (NM_001365116.2).
Identifiers: ClinVar variation 4978410 (VCV004978410.1).